The following continues an entry in ClinVar:

NM_000152.5(GAA):c.2560C>T (p.Arg854Ter)

Gene: GAA. ClinVar aggregate classification (germline): Pathogenic. Pathogenic (1).

Submissions 10 to 18 of 32:

Ambry Genetics
Classification: Pathogenic for Cardiovascular phenotype. Last evaluated: 2024-08-06. Review status: criteria provided, single submitter. Criteria: Ambry Variant Classification Scheme 2023. Collection method: clinical testing. Allele origin: germline. Not counted in ClinVar's aggregate classification.
Comment: The p.R854* pathogenic mutation (also known as c.2560C>T), located in coding exon 17 of the GAA gene, results from a C to T substitution at nucleotide position 2560. This changes the amino acid from an arginine to a stop codon within coding exon 17. This variant has been identified in the homozygous state and/or in conjunction with other GAA variant(s) in many individual(s) with features consistent with glycogen storage disease type II (also known as Pompe disease), and has been reported as a common variant occurring globally, being particularly frequent in African/African-American populations (Becker JA et al. Am J Hum Genet, 1998 Apr;62:991-4; McCready ME et al. Mol Genet Metab, 2007 Dec;92:325-35; Abbott MA et al. Mol Genet Metab, 2011 Dec;104:583-6; Berrier KL et al. Genet Med, 2015 Nov;17:912-8; Mori M et al. Mol Genet Metab, 2017 Dec;122:189-197; Reuser AJJ et al. Hum Mutat, 2019 Nov;40:2146-2164; S&aacute;nchez-S&aacute;nchez LM et al. Gac Med Mex, 2022;158:265-270; Martinez-Montoya V et al. Mol Genet Genomic Med, 2024 Jul;12:e2480). In addition to the clinical data presented in the literature, this alteration is expected to result in loss of function by premature protein truncation or nonsense-mediated mRNA decay. As such, this alteration is interpreted as a disease-causing mutation.

Mayo Clinic Laboratories, Mayo Clinic
Classification: Pathogenic. Last evaluated: 2024-06-25. Review status: criteria provided, single submitter. Criteria: ACMG Guidelines, 2015. Collection method: clinical testing. Allele origin: germline. Observed: 1 variant allele. Not counted in ClinVar's aggregate classification.
Comment: PP4, PM3_very_strong, PVS1

Fulgent Genetics
Classification: Pathogenic for Glycogen storage disease, type II. Last evaluated: 2024-04-11. Review status: criteria provided, single submitter. Criteria: ACMG Guidelines, 2015. Collection method: clinical testing. Allele origin: germline. Not counted in ClinVar's aggregate classification.

Laboratorio de Genetica e Diagnostico Molecular, Hospital Israelita Albert Einstein
Classification: Pathogenic for Glycogen storage disease, type II. Last evaluated: 2024-01-30. Review status: criteria provided, single submitter. Criteria: ACMG Guidelines, 2015. Collection method: clinical testing. Allele origin: germline. Not counted in ClinVar's aggregate classification.
Comment: ACMG classification criteria: PVS1, PM3 very strong, PP4

Laboratory for Molecular Medicine, Mass General Brigham Personalized Medicine
Classification: Pathogenic for Glycogen storage disease, type II. Last evaluated: 2023-07-21. Review status: criteria provided, single submitter. Criteria: ACMG Guidelines, 2015. Collection method: clinical testing. Allele origin: germline. Inheritance: Autosomal recessive inheritance. Not counted in ClinVar's aggregate classification.
Comment: The p.Arg854X variant in GAA has been reported in >20 homozygous or compound heterozygous individuals (with additional pathogenic variants) with clinical features of a glycogen storage disease type II (GSD type II), also known as Pompe disease, and segregated with disease in at least 1 affected individual from 1 family (Hermans 1993 PMID: 8094613, Becker 1998 PMID: 9529346, McCready 2007 PMID: 17723315, Oba-Shinjo 2009 PMID: 19588081, Abbott 2011 PMID: 21889385, Elder 2013 PMID: 23601496, Banugaria 2013 PMID: 23825616, Berrier 2015 PMID: 25741864, Broomfield 2016 PMID: 26497565, Desai 2019 PMID: 31193175, Reuser 2019 PMID: 31342611). Some of these individuals have a CRIM-negative status (absent GAA Cross Reactive Immunological Material) and reduced GAA activity by enzyme assays. This variant is the most common variant reported in individuals with infantile onset Pompe disease (Reuser 2019 PMID: 31342611), especially in those of African descent. It has also been identified in 0.198% (82/41414) of African chromosomes by gnomAD (v.3.1.2). Although this variant has been seen in the general population, its frequency is low enough to be consistent with a recessive carrier frequency for GSD type II. This nonsense variant leads to a premature termination codon at position 854, which is predicted to lead to a truncated or absent protein. Loss of function of the GAA gene is an established disease mechanism in autosomal recessive GSD type II. In vitro functional studies provide some evidence that this variant causes loss of expression of alpha-glucosidase (Hermans 1993 PMID: 8094613). Additionally, this variant was classified as Pathogenic on May 5, 2020 by the ClinGen-approved Lysosomal Storage Disorder expert panel (Variation ID 4034). In summary, this variant meets criteria to be classified as pathogenic for autosomal recessive glycogen storage disease type II (GSD type II), or Pompe disease. ACMG/AMP Criteria applied: PVS1, PM3_Very_Strong, PS3_Supporting.

Illumina Laboratory Services, Illumina
Classification: Pathogenic for Glycogen storage disease, type II. Last evaluated: 2023-06-09. Review status: criteria provided, single submitter. Criteria: ICSLVariantClassificationCriteria RUGD 01 April 2020. Collection method: clinical testing. Allele origin: unknown. Not counted in ClinVar's aggregate classification.
Comment: The GAA c.2560C>T (p.Arg854Ter) nonsense variant has been shown to result in loss of normal protein function either through protein truncation or nonsense-mediated mRNA decay. This has been demonstrated experimentally by analyzing cDNA obtained from patient cells (PMID: 8094613). This variant is the most common cause of disease in individuals of African descent and is considered to be a founder variant (PMID: 20301438). Across a selection of the available literature, the c.2560C>T variant has been identified in multiple individuals with biochemically confirmed disease in a homozygous and compound heterozygous state with a different pathogenic variant (PMID: 8094613; 9529346; 21889385; 29390460; 29637184). The highest frequency of this allele in the Genome Aggregation Database is 0.00198 in the African population, with no reported homozygous individuals (version 3.1.2). This variant has been classified as pathogenic by at least three submitters, including an expert panel, in ClinVar. This variant has been shown to segregate with disease. Based on the available evidence, the c.2560C>T (p.Arg854Ter) variant is classified as pathogenic for glycogen storage disease, type II.

Clinical Genomics Laboratory, Stanford Medicine
Classification: Pathogenic for Glycogen storage disease, type II. Last evaluated: 2023-03-24. Review status: criteria provided, single submitter. Criteria: ACMG Guidelines, 2015. Collection method: clinical testing. Allele origin: germline. Inheritance: Autosomal recessive inheritance. Observed: 1 variant allele, 1 heterozygote. Not counted in ClinVar's aggregate classification.
Comment: The p.Arg854* variant in the GAA gene has been previously reported in the compound heterozygous or homozygous state in greater than 20 individuals with Pompe disease (Hermans et al., 1993; McCready et al., 2007; Banugaria et al., 2013; Berrier et al., 2015; Kishnani et al., 2019). This variant has been identified in 47/24,858 African/African American chromosomes (58/277,566 chromosomes overall) by the Genome Aggregation Database. This variant is present in ClinVar (Accession: VCV000004034.60). The p.Arg854* variant leads to a premature stop codon in exon 18 of 20 coding exons, and is therefore predicted to undergo nonsense-mediated decay resulting in a truncated or absent protein. Loss-of-function is an established mechanism of disease for the GAA gene (Kroos et al., 2012). These data were assessed using the ACMG/AMP variant interpretation guidelines. In summary, there is sufficient evidence to classify the p.Arg854* variant as pathogenic for autosomal recessive Pompe disease based on the information above. [ACMG evidence codes used: PVS1; PM3_VeryStrong]

3billion
Classification: Pathogenic for Glycogen storage disease, type II. Last evaluated: 2022-03-22. Review status: criteria provided, single submitter. Criteria: ACMG Guidelines, 2015. Collection method: clinical testing. Allele origin: germline. Affected: yes. Observed: 1 heterozygote. Not counted in ClinVar's aggregate classification.
Comment: Stop-gained (nonsense): predicted to result in a loss or disruption of normal protein function through nonsense-mediated decay (NMD) or protein truncation. Multiple pathogenic variants are reported downstream of the variant. The variant is observed at an extremely low frequency in the gnomAD v2.1.1 dataset (total allele frequency: 0.0002347).The variant has been reported to be in trans with a pathogenic variant as either compound heterozygous or homozygous in at least 4 similarly affected unrelated individuals (PMID: 17723315, 23825616, 22252923, 25741864, 31193175, 31193175). Therefore, this variant is classified as pathogenic according to the recommendation of ACMG/AMP guideline.

ARUP Laboratories, Molecular Genetics and Genomics, ARUP Laboratories
Classification: Pathogenic for Glycogen storage disease, type II. Last evaluated: 2022-03-09. Review status: criteria provided, single submitter. Criteria: ARUP Molecular Germline Variant Investigation Process 2021. Collection method: clinical testing. Allele origin: germline. Not counted in ClinVar's aggregate classification.
Comment: The GAA c.2560C>T; p.Arg854Ter variant (rs121907943) is reported in the literature as homozygous and as compound heterozygous in numerous individuals affected with glycogen storage disease type II (Becker 1998, McCready 2007, Messinger 2012, Reuser 2019). Additionally, this variant is the most common variant reported in individuals with infantile onset Pompe disease (Reuser 2019), especially in those of African descent. This variant is reported in ClinVar and is classified as pathogenic by an expert panel (Variation ID: 4034). This variant is found in the African population with an allele frequency of .2% (47/24858 alleles) in the Genome Aggregation Database. This variant induces an early termination codon and is predicted to result in a truncated protein or mRNA subject to nonsense-mediated decay. Based on available information, this variant is considered to be pathogenic. References: Becker JA et al. The African origin of the common mutation in African American patients with glycogen-storage disease type II. Am J Hum Genet. 1998 Apr;62(4):991-4. PMID: 9529346. McCready ME et al. Development of a clinical assay for detection of GAA mutations and characterization of the GAA mutation spectrum in a Canadian cohort of individuals with glycogen storage disease, type II. Mol Genet Metab. 2007 Dec;92(4):325-35. PMID: 17723315. Messinger YH et al. Successful immune tolerance induction to enzyme replacement therapy in CRIM-negative infantile Pompe disease. Genet Med. 2012 Jan;14(1):135-42. PMID: 22237443. Reuser AJJ et al. GAA variants and phenotypes among 1,079 patients with Pompe disease: Data from the Pompe Registry. Hum Mutat. 2019 Nov;40(11):2146-2164. PMID: 31342611.